The following is an entry in ClinVar:

ClinVar aggregate classification (germline): Benign/Likely benign. Review status: criteria provided, multiple submitters, no conflicts (2 of 4 stars). 5 submissions from 5 submitters: Benign (3); Likely benign (2). Last evaluated 2026-08-01.

Conditions:
Developmental and epileptic encephalopathy, 51 (DEE51). Also called: Epileptic encephalopathy, early infantile, 51. Identifiers: MedGen C4479208, MONDO:0015025, OMIM 617339.

Allele frequency attached by ClinVar (database versions not stated): 1000 Genomes Project 30x 0.00031; gnomAD exomes 0.00164 and 0.00204; ExAC 0.00169; gnomAD 0.00177 and 0.00184; 1000 Genomes Project 0.00040; ESP Exome Variant Server 0.00123; TOPMed 0.00151.
gnomAD v4.1: 3,231 of 1,613,820 alleles (0.2%); highest among the groups gnomAD compares: Non-Finnish European, 0.23%; 4 homozygotes.

Submissions (5):

CeGaT Center for Human Genetics Tuebingen
Classification: Likely benign. Last evaluated: 2026-08-01. Review status: criteria provided, single submitter. Criteria: CeGaT Center For Human Genetics Tuebingen Variant Classification Criteria Version 2. Collection method: clinical testing. Allele origin: germline. Affected: yes. Observed: 22 variant alleles.
Comment: MDH2: BP4, BS2

Labcorp Genetics (formerly Invitae), Labcorp
Classification: Benign. Last evaluated: 2026-01-28. Review status: criteria provided, single submitter. Criteria: Invitae Variant Classification Sherloc (09022015). Collection method: clinical testing. Allele origin: germline.

Dasa
Classification: Benign. Last evaluated: 2026-01-12. Review status: criteria provided, single submitter. Criteria: DASA Assertion Criteria. Collection method: clinical testing. Allele origin: germline.
Comment: NM_005918.4(MDH2):c.555+8C>T is interpreted as benign based on a combination of available evidence, including population frequency, observations in unaffected individuals, and in silico models suggesting no deleterious effect. Based on the available data, this variant is classified as benign.

Blueprint Genetics
Classification: Likely benign. Last evaluated: 2024-11-22. Review status: criteria provided, single submitter. Criteria: ACMG Guidelines, 2015. Collection method: clinical testing. Allele origin: germline.

ARUP Laboratories, Molecular Genetics and Genomics, ARUP Laboratories
Classification: Benign for Developmental and epileptic encephalopathy, 51. Last evaluated: 2024-09-16. Review status: criteria provided, single submitter. Criteria: ARUP Molecular Germline Variant Investigation Process 2024. Collection method: clinical testing. Allele origin: germline.

NM_005918.4(MDH2):c.555+8C>T

Gene: MDH2 (malate dehydrogenase 2; plus strand). Cytogenetic location: 7q11.23.
Variant type: single nucleotide variant.
Coding change: c.555+8C>T on transcript NM_005918.4 (MANE Select); 8 bases into the intron after coding-DNA position 555, C replaced by T.
Molecular consequence: intron variant.
Genome position (GRCh38, 1-based): chr7:76,060,506, C>T. VCF-style: chr7-76060506-C-T. GRCh37 (hg19) VCF-style: chr7-75689824-C-T.
Other names: c.429+2428C>T (NM_001282403.2); c.234+8C>T (NM_001282404.2).
Identifiers: ClinVar variation 788644 (VCV000788644.54), dbSNP rs200420048, ClinGen allele CA4305575.